The following is an entry in ClinVar:

ClinVar aggregate classification (germline): Conflicting classifications of pathogenicity. Review status: criteria provided, conflicting classifications (1 of 4 stars). 3 submissions from 3 submitters: Uncertain significance (1); Benign (1); Likely benign (1). Last evaluated 2025-06-09.

Conditions:
Inborn genetic diseases. Identifiers: MedGen C0950123, MeSH D030342.

Allele frequency attached by ClinVar (database versions not stated): TOPMed below 0.00001; gnomAD 0.00001; gnomAD exomes 0.00001; ExAC 0.00002.
gnomAD v4.1: 16 of 1,613,450 alleles (0.00099%); highest among the groups gnomAD compares: South Asian, 0.0088%; no homozygotes.

Submissions (3):

Labcorp Genetics (formerly Invitae), Labcorp
Classification: Benign. Last evaluated: 2025-06-09. Review status: criteria provided, single submitter. Criteria: Invitae Variant Classification Sherloc (09022015). Collection method: clinical testing. Allele origin: germline.

Ambry Genetics
Classification: Likely benign for Inborn genetic diseases. Last evaluated: 2024-11-25. Review status: criteria provided, single submitter. Criteria: Ambry Variant Classification Scheme 2023. Collection method: clinical testing. Allele origin: germline.

GeneDx
Classification: Uncertain significance. Last evaluated: 2023-11-07. Review status: criteria provided, single submitter. Criteria: GeneDx Variant Classification Process June 2021. Collection method: clinical testing. Allele origin: germline. Affected: yes.
Comment: In silico analysis supports that this missense variant has a deleterious effect on protein structure/function; Has not been previously published as pathogenic or benign to our knowledge

NM_001374828.1(ARID1B):c.5986A>T (p.Ile1996Phe)

Gene: ARID1B (AT-rich interaction domain 1B; plus strand). Cytogenetic location: 6q25.3.
Variant type: single nucleotide variant.
Coding change: c.5986A>T on transcript NM_001374828.1 (MANE Select); coding-DNA position 5986, A replaced by T.
Protein change: p.Ile1996Phe; replaces isoleucine 1996 with phenylalanine.
Molecular consequence: missense variant.
Genome position (GRCh38, 1-based): chr6:157,206,758, A>T. VCF-style: chr6-157206758-A-T. GRCh37 (hg19) VCF-style: chr6-157527892-A-T.
Other names: c.5737A>T, p.Ile1913Phe (NM_001346813.1); c.3487A>T, p.Ile1163Phe (NM_001363725.2); c.5866A>T, p.Ile1956Phe (NM_001371656.1, NM_001374820.1); c.5827A>T, p.Ile1943Phe (NM_017519.3); c.5617A>T, p.Ile1873Phe (NM_020732.3); c.5404A>T, p.Ile1802Phe (NM_175863.2); short protein forms I1913F, I1943F, I1163F, I1802F, I1996F, I1873F, I1956F.
Identifiers: ClinVar variation 2073293 (VCV002073293.6), dbSNP rs766023993, ClinGen allele CA4067934.